The following is an entry in ClinVar:

ClinVar aggregate classification (germline): Uncertain significance (1 of 4 stars; one submission).

gnomAD v4.1: 11 of 1,611,026 alleles (0.00068%); highest among the groups gnomAD compares: African/African-American, 0.0013%; no homozygotes.

Submission:

Labcorp Genetics (formerly Invitae), Labcorp
Classification: Uncertain significance. Last evaluated: 2025-06-08. Review status: criteria provided, single submitter. Criteria: Invitae Variant Classification Sherloc (09022015). Collection method: clinical testing. Allele origin: germline.
Comment: This sequence change replaces threonine, which is neutral and polar, with alanine, which is neutral and non-polar, at codon 664 of the NIN protein (p.Thr664Ala). This variant is not present in population databases (gnomAD no frequency). This variant has not been reported in the literature in individuals affected with NIN-related conditions. An algorithm developed to predict the effect of missense changes on protein structure and function outputs the following: PolyPhen-2: "Benign". The alanine amino acid residue is found in multiple mammalian species, which suggests that this missense change does not adversely affect protein function. In summary, the available evidence is currently insufficient to determine the role of this variant in disease. Therefore, it has been classified as a Variant of Uncertain Significance.

NM_020921.4(NIN):c.1990A>G (p.Thr664Ala)

Genes: NIN (ninein; minus strand), LOC130055602 (ATAC-STARR-seq lymphoblastoid active region 8362; plus strand). Cytogenetic location: 14q22.1.
Variant type: single nucleotide variant.
Coding change: c.1990A>G on transcript NM_020921.4 (MANE Select); coding-DNA position 1990, A replaced by G.
Protein change: p.Thr664Ala; replaces threonine 664 with alanine.
Molecular consequence: missense variant.
Genome position (GRCh38, 1-based): chr14:50,760,266, T>C on the plus strand (A>G on the coding strand, the complement: NIN is on the minus strand). VCF-style: chr14-50760266-T-C. GRCh37 (hg19) VCF-style: chr14-51226984-T-C.
Other names: c.1990A>G, p.Thr664Ala (NM_016350.5, NM_182944.3, NM_182946.2); short protein forms T664A.
Identifiers: ClinVar variation 4811721 (VCV004811721.1).